The following is an entry in ClinVar:

ClinVar aggregate classification (germline): Uncertain significance. Review status: criteria provided, multiple submitters, no conflicts (2 of 4 stars). 2 submissions from 2 submitters: Uncertain significance (2). Last evaluated 2023-08-04.

Conditions:
Perrault syndrome 5 (PRLTS5). Identifiers: Orphanet 2855, MedGen C4015307, MONDO:0014504, OMIM 616138.
Progressive external ophthalmoplegia with mitochondrial DNA deletions, autosomal dominant 3. Also called: PROGRESSIVE EXTERNAL OPHTHALMOPLEGIA, AUTOSOMAL DOMINANT 3. Identifiers: MedGen C1836439, MONDO:0012241, OMIM 609286.
Infantile onset spinocerebellar ataxia (MTDPS7). Also called: SPINOCEREBELLAR ATAXIA, INFANTILE, WITH SENSORY NEUROPATHY; OHAHA SYNDROME; OPHTHALMOPLEGIA, HYPOTONIA, ATAXIA, HYPOACUSIS, AND ATHETOSIS; Mitochondrial DNA depletion syndrome 7 (hepatocerebral type). Identifiers: Orphanet 1186, MedGen C1849096, MONDO:0010060, OMIM 271245.
Sensory ataxic neuropathy, dysarthria, and ophthalmoparesis (SANDO). Also called: SENSORY ATAXIC NEUROPATHY WITH MITOCHONDRIAL DNA DELETIONS, AUTOSOMAL RECESSIVE; Ataxia Neuropathy Spectrum (ANS); Sensory ataxic neuropathy-dysarthria-ophthalmoparesis syndrome; Epilepsy, progressive myoclonic, type 5. Identifiers: Orphanet 70595, MedGen C1843851, MONDO:0011835, OMIM 607459.

Allele frequency attached by ClinVar (database versions not stated): TOPMed below 0.00001; gnomAD exomes 0.00003 and 0.00008; ExAC 0.00004.
gnomAD v4.1: 49 of 1,614,170 alleles (0.003%); highest among the groups gnomAD compares: South Asian, 0.052%; 3 homozygotes.

Submissions (2):

Labcorp Genetics (formerly Invitae), Labcorp
Classification: Uncertain significance. Last evaluated: 2023-08-04. Review status: criteria provided, single submitter. Criteria: Invitae Variant Classification Sherloc (09022015). Collection method: clinical testing. Allele origin: germline.
Comment: This sequence change replaces aspartic acid, which is acidic and polar, with glycine, which is neutral and non-polar, at codon 397 of the TWNK protein (p.Asp397Gly). ClinVar contains an entry for this variant (Variation ID: 1496673). Advanced modeling of protein sequence and biophysical properties (such as structural, functional, and spatial information, amino acid conservation, physicochemical variation, residue mobility, and thermodynamic stability) performed at Invitae indicates that this missense variant is not expected to disrupt TWNK protein function. In summary, the available evidence is currently insufficient to determine the role of this variant in disease. Therefore, it has been classified as a Variant of Uncertain Significance. This variant is present in population databases (rs751144474, gnomAD 0.06%). This missense change has been observed in individual(s) with clinical features of TWNK-related conditions (PMID: 28776642).

Fulgent Genetics
Classification: Uncertain significance for Infantile onset spinocerebellar ataxia; Sensory ataxic neuropathy, dysarthria, and ophthalmoparesis; Progressive external ophthalmoplegia with mitochondrial DNA deletions, autosomal dominant 3; Perrault syndrome 5. Last evaluated: 2022-01-20. Review status: criteria provided, single submitter. Criteria: ACMG Guidelines, 2015. Collection method: clinical testing. Allele origin: unknown.

Literature cited by the submitters: PubMed 28776642 (cited by Labcorp Genetics (formerly Invitae), Labcorp).

NM_021830.5(TWNK):c.1190A>G (p.Asp397Gly)

Gene: TWNK (twinkle mtDNA helicase; plus strand). Cytogenetic location: 10q24.31.
Variant type: single nucleotide variant.
Coding change: c.1190A>G on transcript NM_021830.5 (MANE Select); coding-DNA position 1190, A replaced by G.
Protein change: p.Asp397Gly; replaces aspartic acid 397 with glycine.
Molecular consequence: missense variant. On other transcripts: non-coding transcript variant (4), intron variant (3).
Genome position (GRCh38, 1-based): chr10:100,989,400, A>G. VCF-style: chr10-100989400-A-G. GRCh37 (hg19) VCF-style: chr10-102749157-A-G.
Other names: c.1190A>G, p.Asp397Gly (NM_001163812.2); c.-119-244A>G (NM_001163814.2, NM_001163813.2); c.-57-306A>G (NM_001368275.1); short protein forms D397G.
Identifiers: ClinVar variation 1496673 (VCV001496673.9), dbSNP rs751144474, ClinGen allele CA5653175.